The following is an entry in ClinVar:

NM_024312.5(GNPTAB):c.137del (p.Arg46fs)

Gene: GNPTAB (N-acetylglucosamine-1-phosphate transferase subunits alpha and beta; minus strand). Cytogenetic location: 12q23.2.
Variant type: Deletion.
Coding change: c.137del on transcript NM_024312.5 (MANE Select); coding-DNA position 137, one base deleted (G; older notation c.137delG).
Protein change: p.Arg46fs; shifts the reading frame from arginine 46.
Molecular consequence: frameshift variant.
Genome position (GRCh38, 1-based): chr12:101,796,743, C deleted on the plus strand (G on the coding strand, the reverse complement: GNPTAB is on the minus strand). VCF-style (leftmost placement, unchanged base first): chr12-101796742-TC-T. GRCh37 (hg19) VCF-style: chr12-102190520-TC-T.
Other names: short protein forms R46fs.
Identifiers: ClinVar variation 1726427 (VCV001726427.3), dbSNP rs2547975433, ClinGen allele CA2580085660.
Genomic context (GRCh38, chr12:101,796,742, plus strand): 5'-CTGAAAGGACTTTCCAGCAATATTGTCTCTATAGGAATCAAACAAAACATGGTATTGATC[TC>T]GGCTCCATTCCAGAACCACCTAGAACAAAGAAAAAGAAACGTTTTCTTCGCATCAAAGAC-3'

ClinVar aggregate classification (germline): Likely pathogenic (1 of 4 stars; one submission).

Conditions:
GNPTAB-mucolipidosis. Also called: UDP-N-acetylglucosamine-1-phosphotransferase subunit alpha/beta deficiency. Identifiers: MedGen CN322573, MONDO:0100122.

Submission:

Myriad Genetics, Inc.
Classification: Likely pathogenic for GNPTAB-mucolipidosis. Last evaluated: 2021-12-17. Review status: criteria provided, single submitter. Criteria: Myriad Autosomal Dominant, Autosomal Recessive and X-Linked Classification Criteria (2023). Collection method: clinical testing. Allele origin: unknown.
Comment: NM_024312.4(GNPTAB):c.137delG(R46Qfs*37) is expected to be pathogenic in the context of GNPTAB-related disorders. This variant is predicted to lead to an abnormal or absent protein product due to the creation of a premature termination codon in GNPTAB, a gene where loss-of-function variants are known to be pathogenic. Please note: this variant was assessed in the context of healthy population screening.